The following is an entry in ClinVar:

ClinVar aggregate classification (germline): Benign. Review status: criteria provided, multiple submitters, no conflicts (2 of 4 stars). 8 submissions from 7 submitters: Benign (7). 1 of the submissions does not count toward it. Last evaluated 2026-01-28.

Conditions:
Hereditary cancer-predisposing syndrome. Also called: Neoplastic Syndromes, Hereditary; Tumor predisposition; Hereditary Cancer Syndrome; Hereditary neoplastic syndrome. Identifiers: Orphanet 140162, MedGen C0027672, MeSH D009386, MONDO:0015356.
Nijmegen breakage syndrome-like disorder (NBSLD). Also called: MICROCEPHALY AND SPONTANEOUS CHROMOSOME INSTABILITY WITHOUT IMMUNODEFICIENCY; NBS-LIKE DISORDER; RAD50 DEFICIENCY. Identifiers: Orphanet 240760, MedGen C2751318, MONDO:0013118, OMIM 613078.
Familial cancer of breast. Also called: BREAST CANCER, FAMILIAL; Hereditary breast cancer; hereditary breast carcinoma. Identifiers: Orphanet 227535, MedGen C0346153, MONDO:0016419, OMIM 114480. Disease mechanism: loss of function.

Allele frequency attached by ClinVar (database versions not stated): gnomAD exomes 0.00229 and 0.00627; ExAC 0.00753; gnomAD 0.02463 and 0.02660; 1000 Genomes Project 0.02656; ESP Exome Variant Server 0.02814; TOPMed 0.02828; 1000 Genomes Project 30x 0.02951.
gnomAD v4.1: 7,203 of 1,613,994 alleles (0.45%); highest among the groups gnomAD compares: African/African-American, 8.5%; 315 homozygotes.

Submissions (8):

Labcorp Genetics (formerly Invitae), Labcorp
Classification: Benign for Hereditary cancer-predisposing syndrome. Last evaluated: 2026-01-28. Review status: criteria provided, single submitter. Criteria: Invitae Variant Classification Sherloc (09022015). Collection method: clinical testing. Allele origin: germline.

Quest Diagnostics Nichols Institute San Juan Capistrano
Classification: Benign. Last evaluated: 2025-05-18. Review status: criteria provided, single submitter. Criteria: Quest Diagnostics criteria. Collection method: clinical testing. Allele origin: unknown.

KCCC/NGS Laboratory, Kuwait Cancer Control Center
Classification: Benign for Nijmegen breakage syndrome-like disorder. Last evaluated: 2025-02-01. Review status: criteria provided, single submitter. Criteria: ACMG Guidelines, 2015. Collection method: clinical testing. Allele origin: germline. Affected: no.

KCCC/NGS Laboratory, Kuwait Cancer Control Center
Classification: Benign for Familial cancer of breast. Last evaluated: 2023-07-07. Review status: criteria provided, single submitter. Criteria: ACMG Guidelines, 2015. Collection method: clinical testing. Allele origin: germline. Affected: yes.

Women's Health and Genetics/Laboratory Corporation of America, LabCorp
Classification: Benign. Last evaluated: 2016-05-24. Review status: criteria provided, single submitter. Criteria: LabCorp Variant Classification Summary - May 2015. Collection method: clinical testing. Allele origin: germline.
Comment: Variant summary: The c.2025C>T (p.Asp675=) in RAD50 gene is a synonymous change that involves a non-conserved nucleotide. 4/5 splice prediction algorithms predict that this variant does not affect normal splicing, however no functional studies supporting this notion were published at the time of evaluation. The variant is present in the control population dataset of ExAC at frequency of 0.0075 (913/121322 chrs tested), predominantly in individuals of African origin (0.0824; 858/10292 control chrs) including numerous homozygous occurrences. This frequency exceeds the maximal expected frequency of a pathogenic allele (0.00006) in this gene. Thus it is a benign polymorphism mainly found in Africans. The variant of interest has been classified as benign by a laboratory in ClinVar. Taking together, the variant is classified as Benign.

GeneDx
Classification: Benign. Last evaluated: 2015-03-03. Review status: criteria provided, single submitter. Criteria: GeneDx Variant Classification Process June 2021. Collection method: clinical testing. Allele origin: germline. Affected: yes.

Ambry Genetics
Classification: Benign for Hereditary cancer-predisposing syndrome. Last evaluated: 2014-11-21. Review status: criteria provided, single submitter. Criteria: Ambry Variant Classification Scheme 2023. Collection method: clinical testing. Allele origin: germline.

Counsyl
Classification: Benign for Nijmegen breakage syndrome-like disorder. Last evaluated: 2016-06-03. Review status: no assertion criteria provided. Collection method: clinical testing. Allele origin: unknown. Not counted in ClinVar's aggregate classification.

NM_005732.4(RAD50):c.2025C>T (p.Asp675=)

Gene: RAD50 (RAD50 double strand break repair protein; plus strand). Cytogenetic location: 5q31.1.
Variant type: single nucleotide variant.
Coding change: c.2025C>T on transcript NM_005732.4 (MANE Select); coding-DNA position 2025, C replaced by T.
Protein change: p.Asp675=; no amino-acid change (aspartic acid 675 retained).
Molecular consequence: synonymous variant.
Genome position (GRCh38, 1-based): chr5:132,595,628, C>T. VCF-style: chr5-132595628-C-T. GRCh37 (hg19) VCF-style: chr5-131931320-C-T.
Identifiers: ClinVar variation 140768 (VCV000140768.24), dbSNP rs34147298, ClinGen allele CA163521.